The following is an entry in ClinVar:

NM_003587.5(DHX16):c.1618G>A (p.Ala540Thr)

Gene: DHX16 (DEAH-box helicase 16; minus strand). Cytogenetic location: 6p21.33.
Variant type: single nucleotide variant.
Coding change: c.1618G>A on transcript NM_003587.5 (MANE Select); coding-DNA position 1618, G replaced by A.
Protein change: p.Ala540Thr; replaces alanine 540 with threonine.
Molecular consequence: missense variant.
Genome position (GRCh38, 1-based): chr6:30,660,169, C>T on the plus strand (G>A on the coding strand, the complement: DHX16 is on the minus strand). VCF-style: chr6-30660169-C-T. GRCh37 (hg19) VCF-style: chr6-30627946-C-T.
Other names: c.1438G>A, p.Ala480Thr (NM_001164239.2); c.175G>A, p.Ala59Thr (NM_001363515.2); short protein forms A480T, A540T, A59T.
Identifiers: ClinVar variation 3372057 (VCV003372057.2).

ClinVar aggregate classification (germline): Uncertain significance (1 of 4 stars; one submission).

Submission:

GeneDx
Classification: Uncertain significance. Last evaluated: 2025-05-22. Review status: criteria provided, single submitter. Criteria: GeneDx Variant Classification Process June 2021. Collection method: clinical testing. Allele origin: germline. Affected: yes.
Comment: Not observed at significant frequency in large population cohorts (gnomAD); In silico analysis supports that this missense variant has a deleterious effect on protein structure/function; Has not been previously published as pathogenic or benign to our knowledge